The following is an entry in ClinVar:

ClinVar aggregate classification (germline): Uncertain significance (1 of 4 stars; one submission).

Conditions:
Primary ciliary dyskinesia. Also called: Ciliary dyskinesia. Identifiers: Orphanet 244, MedGen C0008780, MONDO:0016575, HP:0012265.

Allele frequency attached by ClinVar (database versions not stated): gnomAD 0.00001; gnomAD exomes 0.00001; ExAC 0.00003.
gnomAD v4.1: 14 of 1,611,678 alleles (0.00087%); highest among the groups gnomAD compares: Non-Finnish European, 0.0012%; no homozygotes.

Submission:

Ambry Genetics
Classification: Uncertain significance for Primary ciliary dyskinesia. Last evaluated: 2021-08-04. Review status: criteria provided, single submitter. Criteria: Ambry Variant Classification Scheme 2023. Collection method: clinical testing. Allele origin: germline.
Comment: The p.I65F variant (also known as c.193A>T) is located in coding exon 3 of the DNAH5 gene. The isoleucine at codon 65 is replaced by phenylalanine, an amino acid with highly similar properties. This change occurs in the first base pair of coding exon 3. This amino acid position is conserved. In addition, this alteration is predicted to be tolerated by in silico analysis. Since supporting evidence is limited at this time, the clinical significance of this alteration remains unclear.

NM_001369.3(DNAH5):c.193A>T (p.Ile65Phe)

Gene: DNAH5 (dynein axonemal heavy chain 5; minus strand). Cytogenetic location: 5p15.2.
Variant type: single nucleotide variant.
Coding change: c.193A>T on transcript NM_001369.3 (MANE Select); coding-DNA position 193, A replaced by T.
Protein change: p.Ile65Phe; replaces isoleucine 65 with phenylalanine.
Molecular consequence: missense variant.
Genome position (GRCh38, 1-based): chr5:13,928,178, T>A on the plus strand (A>T on the coding strand, the complement: DNAH5 is on the minus strand). VCF-style: chr5-13928178-T-A. GRCh37 (hg19) VCF-style: chr5-13928287-T-A.
Other names: short protein forms I65F.
Identifiers: ClinVar variation 1783024 (VCV001783024.2), dbSNP rs776039504, ClinGen allele CA3205249.